The following is an entry in ClinVar:

ClinVar aggregate classification (germline): Uncertain significance (1 of 4 stars; one submission).

Conditions:
Alagille syndrome due to a JAG1 point mutation. Also called: JAG1-Related Alagille Syndrome; HEPATIC DUCTULAR HYPOPLASIA, SYNDROMATIC; Alagille Syndrome 1. Identifiers: Orphanet 261619, Orphanet 52, MedGen C1956125, MONDO:0016862, OMIM 118450.

Submission:

Labcorp Genetics (formerly Invitae), Labcorp
Classification: Uncertain significance for Alagille syndrome due to a JAG1 point mutation. Last evaluated: 2024-10-23. Review status: criteria provided, single submitter. Criteria: Invitae Variant Classification Sherloc (09022015). Collection method: clinical testing. Allele origin: germline.
Comment: This sequence change replaces alanine, which is neutral and non-polar, with valine, which is neutral and non-polar, at codon 1008 of the JAG1 protein (p.Ala1008Val). This variant is present in population databases (no rsID available, gnomAD 0.02%). This variant has not been reported in the literature in individuals affected with JAG1-related conditions. Invitae Evidence Modeling of protein sequence and biophysical properties (such as structural, functional, and spatial information, amino acid conservation, physicochemical variation, residue mobility, and thermodynamic stability) has been performed for this missense variant. However, the output from this modeling did not meet the statistical confidence thresholds required to predict the impact of this variant on JAG1 protein function. In summary, the available evidence is currently insufficient to determine the role of this variant in disease. Therefore, it has been classified as a Variant of Uncertain Significance.

NM_000214.3(JAG1):c.3023C>T (p.Ala1008Val)

Gene: JAG1 (jagged canonical Notch ligand 1; minus strand). Cytogenetic location: 20p12.2.
Variant type: single nucleotide variant.
Coding change: c.3023C>T on transcript NM_000214.3 (MANE Select); coding-DNA position 3023, C replaced by T.
Protein change: p.Ala1008Val; replaces alanine 1008 with valine.
Molecular consequence: missense variant.
Genome position (GRCh38, 1-based): chr20:10,641,138, G>A on the plus strand (C>T on the coding strand, the complement: JAG1 is on the minus strand). VCF-style: chr20-10641138-G-A. GRCh37 (hg19) VCF-style: chr20-10621786-G-A.
Other names: short protein forms A1008V.
Identifiers: ClinVar variation 3715610 (VCV003715610.2).
Genomic context (GRCh38, chr20:10,641,138, plus strand): 5'-TCGAATAATGAGGTGTGAATGGGTCTTATACTTACAATGGCCACATGTATTTCATTGTTC[G>A]CTGAAGGGGAAGGCTCGCAAGCGATGTAGATTGAATATTCAGCGGAAACATTCTTCAAAA-3'
Protein context (NP_000205.1, residues 998-1018): IYIACEPSPS[Ala1008Val]NNEIHVAISA